The following is an entry in ClinVar:

NM_001114753.3(ENG):c.1718A>T (p.Asn573Ile)

Genes: ENG (endoglin; minus strand), LOC102723566 (uncharacterized LOC102723566; plus strand). Cytogenetic location: 9q34.11.
Variant type: single nucleotide variant.
Coding change: c.1718A>T on transcript NM_001114753.3 (MANE Select); coding-DNA position 1718, A replaced by T.
Protein change: p.Asn573Ile; replaces asparagine 573 with isoleucine.
Molecular consequence: missense variant. On other transcripts: non-coding transcript variant (1).
Genome position (GRCh38, 1-based): chr9:127,817,172, T>A on the plus strand (A>T on the coding strand, the complement: ENG is on the minus strand). VCF-style: chr9-127817172-T-A. GRCh37 (hg19) VCF-style: chr9-130579451-T-A.
Other names: c.1718A>T, p.Asn573Ile (NM_000118.4); c.1172A>T, p.Asn391Ile (NM_001278138.2); short protein forms N573I, N391I.
Identifiers: ClinVar variation 1778662 (VCV001778662.2), dbSNP rs960259827, ClinGen allele CA200302683.

ClinVar aggregate classification (germline): Uncertain significance (1 of 4 stars; one submission).

Conditions:
Cardiovascular phenotype. Identifiers: MedGen CN230736.

Allele frequency attached by ClinVar (database versions not stated): gnomAD 0.00002; TOPMed 0.00002.
gnomAD v4.1: 5 of 1,614,032 alleles (0.00031%); highest among the groups gnomAD compares: Non-Finnish European, 0.00034%; no homozygotes.

Submission:

Ambry Genetics
Classification: Uncertain significance for Cardiovascular phenotype. Last evaluated: 2016-07-20. Review status: criteria provided, single submitter. Criteria: Ambry Variant Classification Scheme 2023. Collection method: clinical testing. Allele origin: germline.
Comment: The p.N573I variant (also known as c.1718A>T), located in coding exon 13 of the ENG gene, results from an A to T substitution at nucleotide position 1718. The asparagine at codon 573 is replaced by isoleucine, an amino acid with dissimilar properties. This variant was not reported in population based cohorts in the following databases: Database of Single Nucleotide Polymorphisms (dbSNP), NHLBI Exome Sequencing Project (ESP), and 1000 Genomes Project. In the ESP, this variant was not observed in 6503 samples (13006 alleles) with coverage at this position. This amino acid position is well conserved in available vertebrate species. In addition, this alteration is predicted to be tolerated by in silico analysis. Since supporting evidence is limited at this time, the clinical significance of this variant remains unclear.